The following is an entry in ClinVar:

NM_001844.5(COL2A1):c.2400T>C (p.Asn800=)

Gene: COL2A1 (collagen type II alpha 1 chain; minus strand). Cytogenetic location: 12q13.11.
Variant type: single nucleotide variant.
Coding change: c.2400T>C on transcript NM_001844.5 (MANE Select); coding-DNA position 2400, T replaced by C.
Protein change: p.Asn800=; no amino-acid change (asparagine 800 retained).
Molecular consequence: synonymous variant.
Genome position (GRCh38, 1-based): chr12:47,981,785, A>G on the plus strand (T>C on the coding strand, the complement: COL2A1 is on the minus strand). VCF-style: chr12-47981785-A-G. GRCh37 (hg19) VCF-style: chr12-48375568-A-G.
Other names: p.Asn800=; c.2193T>C, p.Asn731= (NM_033150.3).
Identifiers: ClinVar variation 93787 (VCV000093787.29), dbSNP rs1635553, ClinGen allele CA147291.

ClinVar aggregate classification (germline): Benign. Review status: criteria provided, multiple submitters, no conflicts (2 of 4 stars). 14 submissions from 13 submitters: Benign (10). 4 of the submissions do not count toward it. Last evaluated 2026-05-08.

Conditions:
Type 2 collagenopathy. Identifiers: Orphanet 93421, MedGen C2931073, MONDO:0022800.
Stickler syndrome type 1 (STL1). Also called: STICKLER SYNDROME, MEMBRANOUS VITREOUS TYPE; STICKLER SYNDROME, VITREOUS TYPE 1; ARTHROOPHTHALMOPATHY, HEREDITARY PROGRESSIVE; COL2A1-Related Stickler Syndrome. Identifiers: Orphanet 828, Orphanet 90653, MedGen C2020284, MONDO:0007160, OMIM 108300.

Allele frequency attached by ClinVar (database versions not stated): gnomAD exomes 0.44213 and 0.47131; ESP Exome Variant Server 0.45279; TOPMed 0.45451; gnomAD 0.45566 and 0.45905; 1000 Genomes Project 0.48283; 1000 Genomes Project 30x 0.48329; ExAC 0.48963.
gnomAD v4.1: 730,849 of 1,553,398 alleles (47%); highest among the groups gnomAD compares: East Asian, 57%; 173,672 homozygotes.

Submissions (14):

Women's Health and Genetics/Laboratory Corporation of America, LabCorp
Classification: Benign. Last evaluated: 2026-05-08. Review status: criteria provided, single submitter. Criteria: LabCorp Variant Classification Summary - May 2015. Collection method: clinical testing. Allele origin: germline.

Labcorp Genetics (formerly Invitae), Labcorp
Classification: Benign. Last evaluated: 2026-02-04. Review status: criteria provided, single submitter. Criteria: Invitae Variant Classification Sherloc (09022015). Collection method: clinical testing. Allele origin: germline.

Blueprint Genetics
Classification: Benign. Last evaluated: 2024-11-27. Review status: criteria provided, single submitter. Criteria: ACMG Guidelines, 2015. Collection method: clinical testing. Allele origin: germline.

Mayo Clinic Laboratories, Mayo Clinic
Classification: Benign. Last evaluated: 2021-04-07. Review status: criteria provided, single submitter. Criteria: ACMG Guidelines, 2015. Collection method: clinical testing. Allele origin: germline. Observed: 122 variant alleles.

Illumina Laboratory Services, Illumina
Classification: Benign for Stickler syndrome type 1. Last evaluated: 2018-01-13. Review status: criteria provided, single submitter. Criteria: ICSL Variant Classification Criteria 13 December 2019. Collection method: clinical testing. Allele origin: germline.
Comment: This variant was observed in the ICSL laboratory as part of a predisposition screen in an ostensibly healthy population. It had not been previously curated by ICSL or reported in the Human Gene Mutation Database (HGMD: prior to June 1st, 2018), and was therefore a candidate for classification through an automated scoring system. Utilizing variant allele frequency, disease prevalence and penetrance estimates, and inheritance mode, an automated score was calculated to assess if this variant is too frequent to cause the disease. Based on the score and internal cut-off values, a variant classified as benign is not then subjected to further curation. The score for this variant resulted in a classification of benign for this disease.

Illumina Laboratory Services, Illumina
Classification: Benign for Type II Collagenopathies. Last evaluated: 2018-01-13. Review status: criteria provided, single submitter. Criteria: ICSL Variant Classification Criteria 13 December 2019. Collection method: clinical testing. Allele origin: germline.
Comment: the same text as in the submission from Illumina Laboratory Services, Illumina above.

GeneDx
Classification: Benign. Last evaluated: 2016-03-03. Review status: criteria provided, single submitter. Criteria: GeneDx Variant Classification (06012015). Collection method: clinical testing. Allele origin: germline. Affected: yes.
Comment: This variant is considered likely benign or benign based on one or more of the following criteria: it is a conservative change, it occurs at a poorly conserved position in the protein, it is predicted to be benign by multiple in silico algorithms, and/or has population frequency not consistent with disease.

Eurofins Ntd Llc (ga)
Classification: Benign. Last evaluated: 2016-02-05. Review status: criteria provided, single submitter. Criteria: EGL Classification Definitions 2015. Collection method: clinical testing. Allele origin: germline. Observed: 28 variant alleles, 17 heterozygotes, 11 homozygotes.

Breakthrough Genomics
Classification: Benign. Review status: criteria provided, single submitter. Criteria: ACMG Guidelines, 2015. Collection method: not provided. Allele origin: germline. Inheritance: Autosomal dominant inheritance. Affected: yes.

PreventionGenetics, part of Exact Sciences
Classification: Benign. Review status: criteria provided, single submitter. Criteria: ACMG Guidelines, 2015. Collection method: clinical testing. Allele origin: germline.

Clinical Genetics DNA and cytogenetics Diagnostics Lab, Erasmus MC, Erasmus Medical Center
Classification: Benign. Review status: no assertion criteria provided. Collection method: clinical testing. Allele origin: germline. Affected: yes. Study: VKGL Data-share Consensus. Not counted in ClinVar's aggregate classification.

Diagnostic Laboratory, Department of Genetics, University Medical Center Groningen
Classification: Benign. Review status: no assertion criteria provided. Collection method: clinical testing. Allele origin: germline. Affected: yes. Study: VKGL Data-share Consensus. Not counted in ClinVar's aggregate classification.

Genome Diagnostics Laboratory, Amsterdam University Medical Center
Classification: Benign. Review status: no assertion criteria provided. Collection method: clinical testing. Allele origin: germline. Affected: yes. Study: VKGL Data-share Consensus. Not counted in ClinVar's aggregate classification.

Joint Genome Diagnostic Labs from Nijmegen and Maastricht, Radboudumc and MUMC+
Classification: Benign. Review status: no assertion criteria provided. Collection method: clinical testing. Allele origin: germline. Affected: yes. Study: VKGL Data-share Consensus. Not counted in ClinVar's aggregate classification.